The following is an entry in ClinVar:

NM_001099293.3(KIF4B):c.2551A>G (p.Lys851Glu)

Gene: KIF4B (kinesin family member 4B; plus strand). Cytogenetic location: 5q33.2.
Variant type: single nucleotide variant.
Coding change: c.2551A>G on transcript NM_001099293.3 (MANE Select); coding-DNA position 2551, A replaced by G.
Protein change: p.Lys851Glu; replaces lysine 851 with glutamic acid.
Molecular consequence: missense variant.
Genome position (GRCh38, 1-based): chr5:155,016,410, A>G. VCF-style: chr5-155016410-A-G. GRCh37 (hg19) VCF-style: chr5-154395970-A-G.
Other names: c.2551A>G (NM_001099293.2); short protein forms K851E.
Identifiers: ClinVar variation 2655984 (VCV002655984.25), dbSNP rs61741703, ClinGen allele CA3530204.

ClinVar aggregate classification (germline): Likely benign. Review status: criteria provided, single submitter (1 of 4 stars). 2 submissions from 2 submitters: Likely benign (1). 1 of the submissions does not count toward it. Last evaluated 2023-04-01.

Conditions:
KIF4B-related disorder. Also called: KIF4B-related condition.

Allele frequency attached by ClinVar (database versions not stated): 1000 Genomes Project 0.00160; 1000 Genomes Project 30x 0.00219; TOPMed 0.00338; gnomAD 0.00377; ExAC 0.00461; ESP Exome Variant Server 0.00477; gnomAD exomes 0.00552.

Submissions (2):

CeGaT Center for Human Genetics Tuebingen
Classification: Likely benign. Last evaluated: 2023-04-01. Review status: criteria provided, single submitter. Criteria: CeGaT Center For Human Genetics Tuebingen Variant Classification Criteria Version 2. Collection method: clinical testing. Allele origin: germline. Affected: yes. Observed: 1 variant allele.
Comment: KIF4B: BP4, BS2

PreventionGenetics, part of Exact Sciences
Classification: Benign for KIF4B-related condition. Last evaluated: 2019-08-08. Review status: no assertion criteria provided. Collection method: clinical testing. Allele origin: germline. Not counted in ClinVar's aggregate classification.
Comment: This variant is classified as benign based on ACMG/AMP sequence variant interpretation guidelines (Richards et al. 2015 PMID: 25741868, with internal and published modifications).